The following is an entry in ClinVar:

ClinVar aggregate classification (germline): Conflicting classifications of pathogenicity. Review status: criteria provided, conflicting classifications (1 of 4 stars). 9 submissions from 9 submitters: Uncertain significance (6); Likely benign (3). Last evaluated 2025-11-27.

Conditions:
Cardiovascular phenotype. Identifiers: MedGen CN230736.
Arrhythmogenic right ventricular cardiomyopathy (ARVD). Also called: Arrhythmogenic cardiomyopathy; Cardiomyopathy, ARVC; Arrhythmogenic right ventricular dysplasia; Arrhythmogenic Right Ventricular Cardiomyopathy (ARVC). Identifiers: Orphanet 247, MedGen C0349788, MeSH D019571, MONDO:0016587. Disease mechanism: loss of function. Inheritance: Various modes of inheritance.
Cardiomyopathy (CMYO). Also called: Cardiomyopathies. Identifiers: Orphanet 167848, MedGen C0878544, MONDO:0004994, HP:0001638. Inheritance: Various modes of inheritance.
Arrhythmogenic right ventricular dysplasia 9 (ARVD9). Also called: ARRHYTHMOGENIC RIGHT VENTRICULAR DYSPLASIA, FAMILIAL, 9; Arrhythmogenic Right Ventricular Dysplasia/Cardiomyopathy 9. Identifiers: MedGen C1836906, MONDO:0012180, OMIM 609040.

Allele frequency attached by ClinVar (database versions not stated): ExAC 0.00005; gnomAD exomes 0.00008 and 0.00009; gnomAD 0.00016 and 0.00017; TOPMed 0.00020.

Submissions (9):

Mayo Clinic Laboratories, Mayo Clinic
Classification: Uncertain significance. Last evaluated: 2025-11-27. Review status: criteria provided, single submitter. Criteria: ACMG Guidelines, 2015. Collection method: clinical testing. Allele origin: germline. Observed: 1 variant allele.
Comment: BP4

Women's Health and Genetics/Laboratory Corporation of America, LabCorp
Classification: Uncertain significance. Last evaluated: 2025-03-14. Review status: criteria provided, single submitter. Criteria: LabCorp Variant Classification Summary - May 2015. Collection method: clinical testing. Allele origin: germline.
Comment: Variant summary: PKP2 c.928G>A (p.Val310Met) results in a conservative amino acid change in the encoded protein sequence. Five of five in-silico tools predict a benign effect of the variant on protein function. The variant allele was found at a frequency of 9.2e-05 in 251022 control chromosomes. This frequency is not significantly higher than estimated for a pathogenic variant in PKP2 causing Arrhythmogenic Right Ventricular Dysplasia/Cardiomyopathy (9.2e-05 vs 0.00065), allowing no conclusion about variant significance. To our knowledge, no occurrence of c.928G>A in individuals affected with Arrhythmogenic Right Ventricular Dysplasia/Cardiomyopathy and no experimental evidence demonstrating its impact on protein function have been reported. ClinVar contains an entry for this variant (Variation ID: 201962). Based on the evidence outlined above, the variant was classified as uncertain significance.

Labcorp Genetics (formerly Invitae), Labcorp
Classification: Uncertain significance for Arrhythmogenic right ventricular dysplasia 9. Last evaluated: 2025-01-28. Review status: criteria provided, single submitter. Criteria: Invitae Variant Classification Sherloc (09022015). Collection method: clinical testing. Allele origin: germline.
Comment: This sequence change replaces valine, which is neutral and non-polar, with methionine, which is neutral and non-polar, at codon 310 of the PKP2 protein (p.Val310Met). This variant is present in population databases (rs768396351, gnomAD 0.03%). This variant has not been reported in the literature in individuals affected with PKP2-related conditions. ClinVar contains an entry for this variant (Variation ID: 201962). An algorithm developed to predict the effect of missense changes on protein structure and function (PolyPhen-2) suggests that this variant¬†is likely to be tolerated. In summary, the available evidence is currently insufficient to determine the role of this variant in disease. Therefore, it has been classified as a Variant of Uncertain Significance.

Ambry Genetics
Classification: Likely benign for Cardiovascular phenotype. Last evaluated: 2024-06-20. Review status: criteria provided, single submitter. Criteria: Ambry Variant Classification Scheme 2023. Collection method: clinical testing. Allele origin: germline.

Color Diagnostics, LLC DBA Color Health
Classification: Likely benign for Cardiomyopathy. Last evaluated: 2024-05-13. Review status: criteria provided, single submitter. Criteria: ACMG Guidelines, 2015. Collection method: clinical testing. Allele origin: germline.

GeneDx
Classification: Uncertain significance. Last evaluated: 2024-03-27. Review status: criteria provided, single submitter. Criteria: GeneDx Variant Classification Process June 2021. Collection method: clinical testing. Allele origin: germline. Affected: yes.
Comment: Has not been previously published as pathogenic or benign in association with a PKP2-related disorder to our knowledge; In silico analysis supports that this missense variant does not alter protein structure/function; This variant is associated with the following publications: (PMID: 21636032)

All of Us Research Program, National Institutes of Health
Classification: Uncertain significance for Arrhythmogenic right ventricular cardiomyopathy. Last evaluated: 2023-12-13. Review status: criteria provided, single submitter. Criteria: ACMG Guidelines, 2015. Collection method: clinical testing. Allele origin: germline. Inheritance: Autosomal dominant inheritance. Observed: 15 variant alleles, 15 heterozygotes.
Comment: This missense variant replaces valine with methionine at codon 310 of the PKP2 protein. Computational prediction suggests that this variant may not impact protein structure and function (internally defined REVEL score threshold <= 0.5, PMID: 27666373). To our knowledge, functional studies have not been performed for this variant. This variant has not been reported in individuals affected with cardiovascular disorders in the literature. This variant has been identified in 24/282426 chromosomes in the general population by the Genome Aggregation Database (gnomAD). The available evidence is insufficient to determine the role of this variant in disease conclusively. Therefore, this variant is classified as a Variant of Uncertain Significance.

This study involves interpretation of variants in research participants for the purpose of population health screening. Participant phenotype was not available at the time of variant classification. Additional details can be found in publication PMID: 35346344, PMCID: PMC8962531

Blueprint Genetics
Classification: Likely benign. Last evaluated: 2021-10-06. Review status: criteria provided, single submitter. Criteria: ACMG Guidelines, 2015. Collection method: clinical testing. Allele origin: germline.

Fulgent Genetics
Classification: Uncertain significance for Arrhythmogenic right ventricular dysplasia 9. Last evaluated: 2021-07-21. Review status: criteria provided, single submitter. Criteria: ACMG Guidelines, 2015. Collection method: clinical testing. Allele origin: unknown.

NM_001005242.3(PKP2):c.928G>A (p.Val310Met)

Gene: PKP2 (plakophilin 2; minus strand). Cytogenetic location: 12p11.21.
Variant type: single nucleotide variant.
Coding change: c.928G>A on transcript NM_001005242.3 (MANE Select); coding-DNA position 928, G replaced by A.
Protein change: p.Val310Met; replaces valine 310 with methionine.
Molecular consequence: missense variant.
Genome position (GRCh38, 1-based): chr12:32,877,952, C>T on the plus strand (G>A on the coding strand, the complement: PKP2 is on the minus strand). VCF-style: chr12-32877952-C-T. GRCh37 (hg19) VCF-style: chr12-33030886-C-T.
Other names: p.V310M:GTG>ATG; p.Val310Met; c.928G>A, p.Val310Met (NM_004572.4); short protein forms V310M.
Identifiers: ClinVar variation 201962 (VCV000201962.20), dbSNP rs768396351, ClinGen allele CA012552.
Genomic context (GRCh38, chr12:32,877,952, plus strand): 5'-CACTTCCCCCTGCGGCCGCCTGGCCGACAGTCAAGTGCGCTCTCCTCCCGCTGGAATCCA[C>T]GGCGACACTGGGCCCAGCTTCCCTCAGCGTGCGGGTGCTGTGGAAGGAGCTCTGATGCCA-3'
Protein context (NP_001005242.2, residues 300-320): TLREAGPSVA[Val310Met]DSSGRRAHLT